The following is an entry in ClinVar:

ClinVar aggregate classification (germline): Uncertain significance (1 of 4 stars; one submission).

Conditions:
Hypertrophic cardiomyopathy. Also called: HYPERTROPHIC MYOCARDIOPATHY. Identifiers: Orphanet 217569, MedGen C0007194, MeSH D002312, MONDO:0005045, HP:0001639.

Submission:

All of Us Research Program, National Institutes of Health
Classification: Uncertain significance for Hypertrophic cardiomyopathy. Last evaluated: 2023-06-26. Review status: criteria provided, single submitter. Criteria: ACMG Guidelines, 2015. Collection method: clinical testing. Allele origin: germline. Inheritance: Autosomal dominant inheritance. Observed: 1 variant allele, 1 heterozygote.
Comment: This variant is located in the MYBPC3 protein. To our knowledge, functional studies have not been reported for this variant. This variant has not been reported in individuals affected with MYBPC3-related disorders in the literature. This variant has not been identified in the general population by the Genome Aggregation Database (gnomAD). The available evidence is insufficient to determine the role of this variant in disease conclusively. Therefore, this variant is classified as a Variant of Uncertain Significance.

This study involves interpretation of variants in research participants for the purpose of population health screening. Participant phenotype was not available at the time of variant classification. Additional details can be found in publication PMID: 35346344, PMCID: PMC8962531

NM_000256.3(MYBPC3):c.2742A>C (p.Ser914=)

Gene: MYBPC3 (myosin binding protein C3; minus strand). Cytogenetic location: 11p11.2.
Variant type: single nucleotide variant.
Coding change: c.2742A>C on transcript NM_000256.3 (MANE Select); coding-DNA position 2742, A replaced by C.
Protein change: p.Ser914=; no amino-acid change (serine 914 retained).
Molecular consequence: synonymous variant.
Genome position (GRCh38, 1-based): chr11:47,335,205, T>G on the plus strand (A>C on the coding strand, the complement: MYBPC3 is on the minus strand). VCF-style: chr11-47335205-T-G. GRCh37 (hg19) VCF-style: chr11-47356756-T-G.
Identifiers: ClinVar variation 3071951 (VCV003071951.1), dbSNP rs2495744720, ClinGen allele CA474213691.